The following is an entry in ClinVar:

ClinVar aggregate classification (germline): Likely benign. Review status: criteria provided, multiple submitters, no conflicts (2 of 4 stars). 4 submissions from 4 submitters: Likely benign (4). Last evaluated 2026-01-12.

Conditions:
Familial thoracic aortic aneurysm and aortic dissection (TAAD). Also called: Thoracic aortic aneurysms and dissections. Identifiers: Orphanet 91387, MedGen C4707243, MONDO:0019625.
Aortic aneurysm, familial thoracic 4 (AAT4). Also called: AORTIC ANEURYSM/AORTIC DISSECTION AND PATENT DUCTUS ARTERIOSUS. Identifiers: MedGen C1851504, MONDO:0007568, OMIM 132900.

Allele frequency attached by ClinVar (database versions not stated): TOPMed 0.00002; 1000 Genomes Project 30x 0.00016; 1000 Genomes Project 0.00020.
gnomAD v4.1: 22 of 1,614,226 alleles (0.0014%); highest among the groups gnomAD compares: African/African-American, 0.0053%; no homozygotes.

Submissions (4):

Labcorp Genetics (formerly Invitae), Labcorp
Classification: Likely benign for Aortic aneurysm, familial thoracic 4. Last evaluated: 2026-01-12. Review status: criteria provided, single submitter. Criteria: Invitae Variant Classification Sherloc (09022015). Collection method: clinical testing. Allele origin: germline.

All of Us Research Program, National Institutes of Health
Classification: Likely benign for Familial thoracic aortic aneurysm and aortic dissection. Last evaluated: 2023-10-30. Review status: criteria provided, single submitter. Criteria: ACMG Guidelines, 2015. Collection method: clinical testing. Allele origin: germline. Inheritance: Autosomal dominant inheritance. Observed: 3 variant alleles, 3 heterozygotes.
Comment: This study involves interpretation of variants in research participants for the purpose of population health screening. Participant phenotype was not available at the time of variant classification. Additional details can be found in publication PMID: 35346344, PMCID: PMC8962531

Ambry Genetics
Classification: Likely benign for Familial thoracic aortic aneurysm and aortic dissection. Last evaluated: 2021-05-31. Review status: criteria provided, single submitter. Criteria: Ambry Variant Classification Scheme 2023. Collection method: clinical testing. Allele origin: germline.

Color Diagnostics, LLC DBA Color Health
Classification: Likely benign for Familial thoracic aortic aneurysm and aortic dissection. Last evaluated: 2019-12-23. Review status: criteria provided, single submitter. Criteria: ACMG Guidelines, 2015. Collection method: clinical testing. Allele origin: germline.

NM_002474.3(MYH11):c.3603C>T (p.His1201=)

Gene: MYH11 (myosin heavy chain 11; minus strand). Cytogenetic location: 16p13.11.
Variant type: single nucleotide variant.
Coding change: c.3603C>T on transcript NM_002474.3 (MANE Select); coding-DNA position 3603, C replaced by T.
Protein change: p.His1201=; no amino-acid change (histidine 1201 retained).
Molecular consequence: synonymous variant.
Genome position (GRCh38, 1-based): chr16:15,732,612, G>A on the plus strand (C>T on the coding strand, the complement: MYH11 is on the minus strand). VCF-style: chr16-15732612-G-A. GRCh37 (hg19) VCF-style: chr16-15826469-G-A.
Other names: c.3624C>T, p.His1208= (NM_001040113.2, NM_001040114.2); c.3603C>T, p.His1201= (NM_022844.3).
Identifiers: ClinVar variation 926371 (VCV000926371.13), dbSNP rs199800922, ClinGen allele CA7921951.